The following is an entry in ClinVar:

ClinVar aggregate classification (germline): Pathogenic (1 of 4 stars; one submission).

Submission:

Labcorp Genetics (formerly Invitae), Labcorp
Classification: Pathogenic. Last evaluated: 2025-12-29. Review status: criteria provided, single submitter. Criteria: Invitae Variant Classification Sherloc (09022015). Collection method: clinical testing. Allele origin: germline.
Comment: This sequence change creates a premature translational stop signal (p.Glu702*) in the ADAMTSL4 gene. It is expected to result in an absent or disrupted protein product. Loss-of-function variants in ADAMTSL4 are known to be pathogenic (PMID: 20564469, 28642162). This variant is not present in population databases (gnomAD no frequency). This variant has not been reported in the literature in individuals affected with ADAMTSL4-related conditions. ClinVar contains an entry for this variant (Variation ID: 3633239). For these reasons, this variant has been classified as Pathogenic.

Literature cited by the submitters: PubMed 20564469; PubMed 28642162.

NM_019032.6(ADAMTSL4):c.2104G>T (p.Glu702Ter)

Genes: ADAMTSL4-AS2 (ADAMTSL4 antisense RNA 2; minus strand), ADAMTSL4 (ADAMTS like 4; plus strand). Cytogenetic location: 1q21.2.
Variant type: single nucleotide variant.
Coding change: c.2104G>T on transcript NM_019032.6 (MANE Select); coding-DNA position 2104, G replaced by T.
Protein change: p.Glu702Ter; replaces glutamic acid 702 with a stop codon.
Molecular consequence: nonsense.
Genome position (GRCh38, 1-based): chr1:150,557,550, G>T. VCF-style: chr1-150557550-G-T. GRCh37 (hg19) VCF-style: chr1-150530026-G-T.
Other names: c.1987G>T, p.Glu663Ter (NM_001288607.2); c.2173G>T, p.Glu725Ter (NM_001288608.2); c.2104G>T, p.Glu702Ter (NM_001378596.1, NM_025008.5); short protein forms E663*, E725*, E702*.
Identifiers: ClinVar variation 3633239 (VCV003633239.2).